The following is an entry in ClinVar:

NM_000153.4(GALC):c.389A>G (p.Glu130Gly)

Gene: GALC (galactosylceramidase; minus strand). Cytogenetic location: 14q31.3.
Variant type: single nucleotide variant.
Coding change: c.389A>G on transcript NM_000153.4 (MANE Select); coding-DNA position 389, A replaced by G.
Protein change: p.Glu130Gly; replaces glutamic acid 130 with glycine.
Molecular consequence: missense variant.
Genome position (GRCh38, 1-based): chr14:87,986,542, T>C on the plus strand (A>G on the coding strand, the complement: GALC is on the minus strand). VCF-style: chr14-87986542-T-C. GRCh37 (hg19) VCF-style: chr14-88452886-T-C.
Other names: c.320A>G, p.Glu107Gly (NM_001201401.2); c.311A>G, p.Glu104Gly (NM_001201402.2); short protein forms E107G, E104G, E130G.
Identifiers: ClinVar variation 2120791 (VCV002120791.4), dbSNP rs2503519099, ClinGen allele CA390752564.
Genomic context (GRCh38, chr14:87,986,542, plus strand): 5'-TTCTTACCAATGAGTGTAATATTGGGATTCCTCTTCTTAGCTTCTTTCATCAACCACCAC[T>C]CGTATCCTCGGAAATAATTCTCATCTAGTGCATAATGCATGTGGGAGGGCTCAGTGCCGT-3'
Protein context (NP_000144.2, residues 120-140): ALDENYFRGY[Glu130Gly]WWLMKEAKKR

ClinVar aggregate classification (germline): Likely pathogenic (1 of 4 stars; one submission).

Conditions:
Galactosylceramide beta-galactosidase deficiency. Also called: GALACTOCEREBROSIDASE DEFICIENCY; GALC DEFICIENCY; GLOBOID CELL LEUKOENCEPHALOPATHY; Krabbe Disease; Leukodystrophy, Globoid Cell. Identifiers: Orphanet 487, MedGen C0023521, MONDO:0009499, OMIM 245200.

Submission:

Labcorp Genetics (formerly Invitae), Labcorp
Classification: Likely pathogenic for Galactosylceramide beta-galactosidase deficiency. Last evaluated: 2022-09-12. Review status: criteria provided, single submitter. Criteria: Invitae Variant Classification Sherloc (09022015). Collection method: clinical testing. Allele origin: germline.
Comment: This sequence change replaces glutamic acid, which is acidic and polar, with glycine, which is neutral and non-polar, at codon 130 of the GALC protein (p.Glu130Gly). This variant is not present in population databases (gnomAD no frequency). In summary, the currently available evidence indicates that the variant is pathogenic, but additional data are needed to prove that conclusively. Therefore, this variant has been classified as Likely Pathogenic. This variant disrupts the p.Glu130 amino acid residue in GALC. Other variant(s) that disrupt this residue have been determined to be pathogenic (PMID: 17579360, 20886637, 23620143, 27638593). This suggests that this residue is clinically significant, and that variants that disrupt this residue are likely to be disease-causing. Advanced modeling of protein sequence and biophysical properties (such as structural, functional, and spatial information, amino acid conservation, physicochemical variation, residue mobility, and thermodynamic stability) performed at Invitae indicates that this missense variant is expected to disrupt GALC protein function. This variant has not been reported in the literature in individuals affected with GALC-related conditions.

Literature cited by the submitters: PubMed 17579360; PubMed 20886637; PubMed 23620143; PubMed 27638593.